The following is an entry in ClinVar:

NM_001385012.1(NBEA):c.3257A>G (p.Asn1086Ser)

Gene: NBEA (neurobeachin; plus strand). Cytogenetic location: 13q13.3.
Variant type: single nucleotide variant.
Coding change: c.3257A>G on transcript NM_001385012.1 (MANE Select); coding-DNA position 3257, A replaced by G.
Protein change: p.Asn1086Ser; replaces asparagine 1086 with serine.
Molecular consequence: missense variant.
Genome position (GRCh38, 1-based): chr13:35,159,428, A>G. VCF-style: chr13-35159428-A-G. GRCh37 (hg19) VCF-style: chr13-35733565-A-G.
Other names: c.3257A>G, p.Asn1086Ser (NM_001379245.1, NM_015678.5); short protein forms N1086S.
Identifiers: ClinVar variation 1320419 (VCV001320419.2), dbSNP rs762460191, ClinGen allele CA387837280.

ClinVar aggregate classification (germline): Uncertain significance (1 of 4 stars; one submission).

Submission:

GeneDx
Classification: Uncertain significance. Last evaluated: 2019-12-27. Review status: criteria provided, single submitter. Criteria: GeneDx Variant Classification Process June 2021. Collection method: clinical testing. Allele origin: germline. Affected: yes.
Comment: Not observed in large population cohorts (Lek et al., 2016); In silico analysis, which includes protein predictors and evolutionary conservation, supports that this variant does not alter protein structure/function; Has not been previously published as pathogenic or benign to our knowledge